The following is an entry in ClinVar:

ClinVar aggregate classification (germline): Uncertain significance. Review status: criteria provided, multiple submitters, no conflicts (2 of 4 stars). 2 submissions from 2 submitters: Uncertain significance (2). Last evaluated 2025-12-11.

Conditions:
Neurodevelopmental disorder with hypotonia, seizures, and absent language (NDHSAL). Identifiers: MedGen C4310643, MONDO:0014995, OMIM 617268.
Inborn genetic diseases. Identifiers: MedGen C0950123, MeSH D030342.

Allele frequency attached by ClinVar (database versions not stated): gnomAD 0.00001; gnomAD exomes 0.00002; TOPMed 0.00002.
gnomAD v4.1: 36 of 1,613,832 alleles (0.0022%); highest among the groups gnomAD compares: Non-Finnish European, 0.003%; no homozygotes.

Submissions (2):

Ambry Genetics
Classification: Uncertain significance for Inborn genetic diseases. Last evaluated: 2025-12-11. Review status: criteria provided, single submitter. Criteria: Ambry Variant Classification Scheme 2023. Collection method: clinical testing. Allele origin: germline.

Clinical Genomics Laboratory, Washington University in St. Louis
Classification: Uncertain significance for Neurodevelopmental disorder with hypotonia, seizures, and absent language. Last evaluated: 2023-07-03. Review status: criteria provided, single submitter. Criteria: ACMG Guidelines, 2015. Collection method: clinical testing. Allele origin: germline.
Comment: The HECW2 c.3371C>A (p.Pro1124Gln) variant, to our knowledge, has not been reported in the medical literature and is absent from the general population (gnomAD v.2.1.1), indicating it is not a common variant. Computational predictors are uncertain as to the impact of this variant on HECW2 function. Due to limited information, and based on ACMG/AMP guidelines for variant interpretation (Richards S et al., PMID: 25741868), the clinical significance of this variant is uncertain at this time.

NM_001348768.2(HECW2):c.3371C>A (p.Pro1124Gln)

Gene: HECW2 (HECT, C2 and WW domain containing E3 ubiquitin protein ligase 2; minus strand). Cytogenetic location: 2q32.3.
Variant type: single nucleotide variant.
Coding change: c.3371C>A on transcript NM_001348768.2 (MANE Select); coding-DNA position 3371, C replaced by A.
Protein change: p.Pro1124Gln; replaces proline 1124 with glutamine.
Molecular consequence: missense variant.
Genome position (GRCh38, 1-based): chr2:196,257,871, G>T on the plus strand (C>A on the coding strand, the complement: HECW2 is on the minus strand). VCF-style: chr2-196257871-G-T. GRCh37 (hg19) VCF-style: chr2-197122595-G-T.
Other names: c.3371C>A (NM_020760.1); c.2303C>A, p.Pro768Gln (NM_001304840.3); c.3371C>A, p.Pro1124Gln (NM_020760.4); short protein forms P1124Q, P768Q.
Identifiers: ClinVar variation 2672189 (VCV002672189.2), dbSNP rs1263333951, ClinGen allele CA349958996.